The following is an entry in ClinVar:

NM_014363.6(SACS):c.2755del (p.Arg919fs)

Gene: SACS (sacsin molecular chaperone; minus strand). Cytogenetic location: 13q12.12.
Variant type: Deletion.
Coding change: c.2755del on transcript NM_014363.6 (MANE Select); coding-DNA position 2755, one base deleted (A; older notation c.2755delA).
Protein change: p.Arg919fs; shifts the reading frame from arginine 919.
Molecular consequence: frameshift variant.
Genome position (GRCh38, 1-based): chr13:23,341,121, T deleted on the plus strand (A on the coding strand, the reverse complement: SACS is on the minus strand); the first of 4 consecutive T bases (chr13:23,341,121-23,341,124); deleting any one gives the same sequence. VCF-style (leftmost placement, unchanged base first): chr13-23341120-CT-C. GRCh37 (hg19) VCF-style: chr13-23915259-CT-C.
Other names: c.2314del, p.Arg772fs (NM_001278055.2); short protein forms R772fs, R919fs.
Identifiers: ClinVar variation 1433070 (VCV001433070.9), dbSNP rs2137641201, ClinGen allele CA2573149129.
Genomic context (GRCh38, chr13:23,341,120, plus strand): 5'-GAAATTCCCTGATCAGAAGAATGGTTAATGCGCTTGAATATTGCCAATTCTTGAATAATT[CT>C]TTTCTCTTTCTCACTGCTATCGGTTAAACTAGCCAAGAACTTCCTCAGGGCATCTTTGTG-3'

ClinVar aggregate classification (germline): Pathogenic/Likely pathogenic. Review status: criteria provided, multiple submitters, no conflicts (2 of 4 stars). 2 submissions from 2 submitters: Pathogenic (1); Likely pathogenic (1). Last evaluated 2024-01-05.

Conditions:
Charlevoix-Saguenay spastic ataxia (SACS). Also called: SPASTIC ATAXIA 6, AUTOSOMAL RECESSIVE; AUTOSOMAL RECESSIVE SPASTIC ATAXIA OF CHARLEVOIX-SAGUENAY; Spastic ataxia of Charlevoix-Saguenay. Identifiers: Orphanet 98, MedGen C1849140, MONDO:0010041, OMIM 270550.
Spastic paraplegia. Identifiers: MedGen C0037772, HP:0001258.

Submissions (2):

Baylor Genetics
Classification: Likely pathogenic for Charlevoix-Saguenay spastic ataxia. Last evaluated: 2024-01-05. Review status: criteria provided, single submitter. Criteria: ACMG Guidelines, 2015. Collection method: clinical testing. Allele origin: unknown.

Labcorp Genetics (formerly Invitae), Labcorp
Classification: Pathogenic for Spastic paraplegia. Last evaluated: 2022-06-27. Review status: criteria provided, single submitter. Criteria: Invitae Variant Classification Sherloc (09022015). Collection method: clinical testing. Allele origin: germline.
Comment: For these reasons, this variant has been classified as Pathogenic. This variant disrupts a region of the SACS protein in which other variant(s) (p.Tyr4538*) have been determined to be pathogenic (Invitae). This suggests that this is a clinically significant region of the protein, and that variants that disrupt it are likely to be disease-causing. This variant has not been reported in the literature in individuals affected with SACS-related conditions. This variant is not present in population databases (gnomAD no frequency). This sequence change creates a premature translational stop signal (p.Arg919Glufs*26) in the SACS gene. While this is not anticipated to result in nonsense mediated decay, it is expected to disrupt the last 3661 amino acid(s) of the SACS protein.